The following is an entry in ClinVar:

NM_001184880.2(PCDH19):c.2564G>A (p.Ser855Asn)

Genes: PCDH19 (protocadherin 19; minus strand), LOC125467768 (CDK7 strongly-dependent group 2 enhancer GRCh37_chrX:99657381-99658580; plus strand). Cytogenetic location: Xq22.1.
Variant type: single nucleotide variant.
Coding change: c.2564G>A on transcript NM_001184880.2 (MANE Select); coding-DNA position 2564, G replaced by A.
Protein change: p.Ser855Asn; replaces serine 855 with asparagine.
Molecular consequence: missense variant.
Genome position (GRCh38, 1-based): chrX:100,402,576, C>T on the plus strand (G>A on the coding strand, the complement: PCDH19 is on the minus strand). VCF-style: chrX-100402576-C-T. GRCh37 (hg19) VCF-style: chrX-99657574-C-T.
Other names: p.S808N:AGC>AAC; c.2423G>A, p.Ser808Asn (NM_001105243.2, NM_020766.3); short protein forms S808N, S855N.
Identifiers: ClinVar variation 206347 (VCV000206347.10), dbSNP rs796052824, ClinGen allele CA316393.
Genomic context (GRCh38, chrX:100,402,576, plus strand): 5'-GCACTCACCTCAGGCAGAGGCACACCGTTGATAATCAGGTCAGGCTGCTGGGGCCCCTGG[C>T]TGTTGAAAGAGTGATGGTAGATGTGGTTAGCACTGGTGTTGCGGGTATTCTGGTTCTCCA-3'
Protein context (NP_001171809.1, residues 845-865): ANHIYHHSFN[Ser855Asn]QGPQQPDLII

ClinVar aggregate classification (germline): Uncertain significance. Review status: criteria provided, multiple submitters, no conflicts (2 of 4 stars). 4 submissions from 4 submitters: Uncertain significance (4). Last evaluated 2025-04-03.

Conditions:
Inborn genetic diseases. Identifiers: MedGen C0950123, MeSH D030342.
Developmental and epileptic encephalopathy, 9 (DEE9). Also called: JUBERG-HELLMAN SYNDROME; EPILEPSY, FEMALE-RESTRICTED, WITH MENTAL RETARDATION; Early infantile epileptic encephalopathy 9; PCDH19-Related X-Linked Female-Limited Epilepsy with Mental Retardation. Identifiers: Orphanet 101039, Orphanet 2076, MedGen C1848137, MONDO:0010246, OMIM 300088. Disease mechanism: loss of function.

Allele frequency attached by ClinVar (database versions not stated): gnomAD exomes 0.00002 and 0.00008; gnomAD 0.00003; TOPMed 0.00003.
gnomAD v4.1: 87 of 1,209,939 alleles (0.0072%); highest among the groups gnomAD compares: Non-Finnish European, 0.0095%; no homozygotes.

Submissions (4):

Ambry Genetics
Classification: Uncertain significance for Inborn genetic diseases. Last evaluated: 2025-04-03. Review status: criteria provided, single submitter. Criteria: Ambry Variant Classification Scheme 2023. Collection method: clinical testing. Allele origin: germline.

Labcorp Genetics (formerly Invitae), Labcorp
Classification: Uncertain significance for Developmental and epileptic encephalopathy, 9. Last evaluated: 2024-10-16. Review status: criteria provided, single submitter. Criteria: Invitae Variant Classification Sherloc (09022015). Collection method: clinical testing. Allele origin: germline.
Comment: This sequence change replaces serine, which is neutral and polar, with asparagine, which is neutral and polar, at codon 855 of the PCDH19 protein (p.Ser855Asn). This variant is present in population databases (rs796052824, gnomAD 0.003%). This variant has not been reported in the literature in individuals affected with PCDH19-related conditions. ClinVar contains an entry for this variant (Variation ID: 206347). Invitae Evidence Modeling of protein sequence and biophysical properties (such as structural, functional, and spatial information, amino acid conservation, physicochemical variation, residue mobility, and thermodynamic stability) indicates that this missense variant is not expected to disrupt PCDH19 protein function with a negative predictive value of 95%. In summary, the available evidence is currently insufficient to determine the role of this variant in disease. Therefore, it has been classified as a Variant of Uncertain Significance.

Blueprint Genetics
Classification: Uncertain significance. Last evaluated: 2022-03-21. Review status: criteria provided, single submitter. Criteria: ACMG Guidelines, 2015. Collection method: clinical testing. Allele origin: germline.

GeneDx
Classification: Uncertain significance. Last evaluated: 2017-07-21. Review status: criteria provided, single submitter. Criteria: GeneDx Variant Classification (06012015). Collection method: clinical testing. Allele origin: germline. Affected: yes.
Comment: This variant is denoted p.Ser808Asn (AGC>AAC):c.2423 G>A in exon 2 of the PCDH19 gene (NM_001105243.1). The Ser808Asn missense change has not been published as a mutation, nor has it been reported as a benign polymorphism to our knowledge. The NHLBI ESP Exome Variant Project has not identified Ser808Asn in approximately 6,500 individuals of European or African American ethnicity, indicating that it is not a common benign variant in these populations. This amino acid substitution is conservative, as Serine and Asparagine are both uncharged, polar amino acids. It alters a position in the intracellular C-terminus of the protein that is not highly conserved, and other missense mutations have not been reported in this region of the protein. Additionally, multiple in silico algorithms predict that Ser808Asn is likely benign. Therefore, the currently available information suggests that Ser808Asn may be a rare benign variant, but the possibility that it is a disease-causing mutation cannot be completely excluded. The variant is found in INFANT-EPI panel(s).